The following is an entry in ClinVar:

ClinVar aggregate classification (germline): Likely pathogenic (1 of 4 stars; one submission).

Conditions:
Early-infantile DEE. Also called: Early infantile epileptic encephalopathy; Ohtahara syndrome; Early infantile epileptic encephalopathy with suppression bursts. Identifiers: Orphanet 1934, MedGen C0393706, MONDO:0800491.

Submission:

Labcorp Genetics (formerly Invitae), Labcorp
Classification: Likely pathogenic for Early-infantile DEE. Last evaluated: 2024-11-05. Review status: criteria provided, single submitter. Criteria: Invitae Variant Classification Sherloc (09022015). Collection method: clinical testing. Allele origin: germline.
Comment: This sequence change replaces arginine, which is basic and polar, with leucine, which is neutral and non-polar, at codon 946 of the SCN1A protein (p.Arg946Leu). This variant is not present in population databases (gnomAD no frequency). This missense change has been observed in individual(s) with autosomal dominant SCN1A-related conditions (internal data). Invitae Evidence Modeling of protein sequence and biophysical properties (such as structural, functional, and spatial information, amino acid conservation, physicochemical variation, residue mobility, and thermodynamic stability) indicates that this missense variant is expected to disrupt SCN1A protein function with a positive predictive value of 95%. This variant disrupts the p.Arg946 amino acid residue in SCN1A. Other variant(s) that disrupt this residue have been determined to be pathogenic (PMID: 14738421, 19589774, 20550552, 21371021). This suggests that this residue is clinically significant, and that variants that disrupt this residue are likely to be disease-causing. In summary, the currently available evidence indicates that the variant is pathogenic, but additional data are needed to prove that conclusively. Therefore, this variant has been classified as Likely Pathogenic.

Literature cited by the submitters: PubMed 14738421; PubMed 19589774; PubMed 20550552; PubMed 21371021.

NM_001165963.4(SCN1A):c.2837G>T (p.Arg946Leu)

Gene: SCN1A (sodium voltage-gated channel alpha subunit 1; minus strand). Cytogenetic location: 2q24.3.
Variant type: single nucleotide variant.
Coding change: c.2837G>T on transcript NM_001165963.4 (MANE Select); coding-DNA position 2837, G replaced by T.
Protein change: p.Arg946Leu; replaces arginine 946 with leucine.
Molecular consequence: missense variant. On other transcripts: non-coding transcript variant (1).
Genome position (GRCh38, 1-based): chr2:166,037,885, C>A on the plus strand (G>T on the coding strand, the complement: SCN1A is on the minus strand). VCF-style: chr2-166037885-C-A. GRCh37 (hg19) VCF-style: chr2-166894395-C-A.
Other names: c.2804G>T, p.Arg935Leu (NM_001353951.2, NM_001353952.2, NM_001353949.2 and 2 more transcripts); c.2801G>T, p.Arg934Leu (NM_001353954.2, NM_001353955.2); c.2753G>T, p.Arg918Leu (NM_001353957.2, NM_001353958.2, NM_001165964.3); c.2750G>T, p.Arg917Leu (NM_001353960.2); c.395G>T, p.Arg132Leu (NM_001353961.2); c.2837G>T, p.Arg946Leu (NM_001202435.3, NM_001353948.2); short protein forms R918L, R132L, R917L, R934L, R935L, R946L.
Identifiers: ClinVar variation 3634038 (VCV003634038.2).